The following is an entry in ClinVar:

ClinVar aggregate classification (germline): Uncertain significance (1 of 4 stars; one submission).

Conditions:
DiGeorge syndrome. Also called: Catch22; THIRD AND FOURTH PHARYNGEAL POUCH SYNDROME. Identifiers: Orphanet 567, MedGen C0012236, MONDO:0008564, OMIM 188400.

Allele frequency attached by ClinVar (database versions not stated): TOPMed below 0.00001; gnomAD 0.00001; gnomAD exomes 0.00001 and 0.00002; ExAC 0.00002.
gnomAD v4.1: 10 of 1,550,980 alleles (0.00064%); highest among the groups gnomAD compares: South Asian, 0.0058%; 1 homozygote.

Submission:

Labcorp Genetics (formerly Invitae), Labcorp
Classification: Uncertain significance for DiGeorge syndrome. Last evaluated: 2021-08-04. Review status: criteria provided, single submitter. Criteria: Invitae Variant Classification Sherloc (09022015). Collection method: clinical testing. Allele origin: germline.
Comment: This sequence change replaces alanine with valine at codon 420 of the TBX1 protein (p.Ala420Val). The alanine residue is weakly conserved and there is a small physicochemical difference between alanine and valine. This variant is present in population databases (rs754328637, ExAC 0.009%). This variant has not been reported in the literature in individuals affected with TBX1-related conditions. Algorithms developed to predict the effect of missense changes on protein structure and function are either unavailable or do not agree on the potential impact of this missense change (SIFT: "Tolerated"; PolyPhen-2: "Probably Damaging"; Align-GVGD: "Class C0"). In summary, the available evidence is currently insufficient to determine the role of this variant in disease. Therefore, it has been classified as a Variant of Uncertain Significance.

NM_001379200.1(TBX1):c.1286C>T (p.Ala429Val)

Gene: TBX1 (T-box transcription factor 1; plus strand). Cytogenetic location: 22q11.21.
Variant type: single nucleotide variant.
Coding change: c.1286C>T on transcript NM_001379200.1 (MANE Select); coding-DNA position 1286, C replaced by T.
Protein change: p.Ala429Val; replaces alanine 429 with valine.
Molecular consequence: missense variant. On other transcripts: intron variant (2).
Genome position (GRCh38, 1-based): chr22:19,766,638, C>T. VCF-style: chr22-19766638-C-T. GRCh37 (hg19) VCF-style: chr22-19754161-C-T.
Other names: c.1259C>T, p.Ala420Val (NM_080647.1); c.1009+636C>T (NM_005992.1, NM_080646.2); short protein forms A429V, A420V.
Identifiers: ClinVar variation 1519951 (VCV001519951.6), dbSNP rs754328637, ClinGen allele CA10102698.